The following is an entry in ClinVar:

ClinVar aggregate classification (germline): Uncertain significance (1 of 4 stars; one submission).

Conditions:
Charcot-Marie-Tooth disease type 4. Also called: Charcot-Marie-Tooth disease, type IV; Charcot-Marie-Tooth, Type 4. Identifiers: Orphanet 64749, MedGen C4082197, MONDO:0018995.

Allele frequency attached by ClinVar (database versions not stated): gnomAD 0.00001.
gnomAD v4.1: 1 of 1,613,008 alleles (0.000062%); highest among the groups gnomAD compares: Non-Finnish European, 0.000085%; no homozygotes.

Submission:

Labcorp Genetics (formerly Invitae), Labcorp
Classification: Uncertain significance for Charcot-Marie-Tooth disease type 4. Last evaluated: 2021-02-11. Review status: criteria provided, single submitter. Criteria: Invitae Variant Classification Sherloc (09022015). Collection method: clinical testing. Allele origin: germline.
Comment: This sequence change replaces glycine with glutamic acid at codon 214 of the FIG4 protein (p.Gly214Glu). The glycine residue is moderately conserved and there is a moderate physicochemical difference between glycine and glutamic acid. This variant is not present in population databases (ExAC no frequency). This variant has not been reported in the literature in individuals with FIG4-related conditions. Algorithms developed to predict the effect of missense changes on protein structure and function are either unavailable or do not agree on the potential impact of this missense change (SIFT: "Deleterious"; PolyPhen-2: "Benign"; Align-GVGD: "Class C0"). Algorithms developed to predict the effect of sequence changes on RNA splicing suggest that this variant may create or strengthen a splice site, but this prediction has not been confirmed by published transcriptional studies. In summary, the available evidence is currently insufficient to determine the role of this variant in disease. Therefore, it has been classified as a Variant of Uncertain Significance.

NM_014845.6(FIG4):c.641G>A (p.Gly214Glu)

Gene: FIG4 (FIG4 phosphoinositide 5-phosphatase; plus strand). Cytogenetic location: 6q21.
Variant type: single nucleotide variant.
Coding change: c.641G>A on transcript NM_014845.6 (MANE Select); coding-DNA position 641, G replaced by A.
Protein change: p.Gly214Glu; replaces glycine 214 with glutamic acid.
Molecular consequence: missense variant.
Genome position (GRCh38, 1-based): chr6:109,735,293, G>A. VCF-style: chr6-109735293-G-A. GRCh37 (hg19) VCF-style: chr6-110056496-G-A.
Other names: short protein forms G214E.
Identifiers: ClinVar variation 1510352 (VCV001510352.8), dbSNP rs1776128339, ClinGen allele CA365219739.